The following is an entry in ClinVar:

NM_002582.4(PARN):c.1168T>G (p.Phe390Val)

Gene: PARN (poly(A)-specific ribonuclease; minus strand). Cytogenetic location: 16p13.12.
Variant type: single nucleotide variant.
Coding change: c.1168T>G on transcript NM_002582.4 (MANE Select); coding-DNA position 1168, T replaced by G.
Protein change: p.Phe390Val; replaces phenylalanine 390 with valine.
Molecular consequence: missense variant.
Genome position (GRCh38, 1-based): chr16:14,582,205, A>C on the plus strand (T>G on the coding strand, the complement: PARN is on the minus strand). VCF-style: chr16-14582205-A-C. GRCh37 (hg19) VCF-style: chr16-14676062-A-C.
Other names: c.985T>G, p.Phe329Val (NM_001134477.3); c.1030T>G, p.Phe344Val (NM_001242992.2); short protein forms F344V, F390V, F329V.
Identifiers: ClinVar variation 2015402 (VCV002015402.4), dbSNP rs2507835947, ClinGen allele CA394801588.
Genomic context (GRCh38, chr16:14,582,205, plus strand): 5'-CACTGCGTGTTTGACTGAAAGACATGTAATGCGTACCTAGGTAATTGGCCATGGAGATGA[A>C]GCACAGCCCTGTGATGTAGGCATCGTAGCCTGCCTCGTGGAGTTGTTCAGAGGCTGTGTC-3'
Protein context (NP_002573.1, residues 380-400): GYDAYITGLC[Phe390Val]ISMANYLGSF

ClinVar aggregate classification (germline): Uncertain significance (1 of 4 stars; one submission).

Conditions:
Dyskeratosis congenita, autosomal recessive 6 (DKCB6). Identifiers: MedGen C4225356, MONDO:0014600, OMIM 616353.
Pulmonary fibrosis and/or bone marrow failure, Telomere-related, 4. Also called: PULMONARY FIBROSIS AND/OR BONE MARROW FAILURE SYNDROME, TELOMERE-RELATED, 4. Identifiers: Orphanet 2032, MedGen C4225347, MONDO:0014612, OMIM 616371.

Submission:

Labcorp Genetics (formerly Invitae), Labcorp
Classification: Uncertain significance for Dyskeratosis congenita, autosomal recessive 6; Pulmonary fibrosis and/or bone marrow failure, Telomere-related, 4. Last evaluated: 2022-08-28. Review status: criteria provided, single submitter. Criteria: Invitae Variant Classification Sherloc (09022015). Collection method: clinical testing. Allele origin: germline.
Comment: This sequence change replaces phenylalanine, which is neutral and non-polar, with valine, which is neutral and non-polar, at codon 390 of the PARN protein (p.Phe390Val). This variant is not present in population databases (gnomAD no frequency). This variant has not been reported in the literature in individuals affected with PARN-related conditions. Algorithms developed to predict the effect of missense changes on protein structure and function (SIFT, PolyPhen-2, Align-GVGD) all suggest that this variant is likely to be disruptive. In summary, the available evidence is currently insufficient to determine the role of this variant in disease. Therefore, it has been classified as a Variant of Uncertain Significance.